The following is an entry in ClinVar:

ClinVar aggregate classification (germline): Benign/Likely benign. Review status: criteria provided, multiple submitters, no conflicts (2 of 4 stars). 4 submissions from 4 submitters: Benign (1); Likely benign (3). Last evaluated 2025-11-25.

Allele frequency attached by ClinVar (database versions not stated): ESP Exome Variant Server 0.00008; gnomAD 0.00034 and 0.00054; gnomAD exomes 0.00035 and 0.00092; TOPMed 0.00060; ExAC 0.00082; 1000 Genomes Project 30x 0.00281; 1000 Genomes Project 0.00300.
gnomAD v4.1: 618 of 1,614,058 alleles (0.038%); highest among the groups gnomAD compares: East Asian, 1.2%; 4 homozygotes.

Submissions (4):

Labcorp Genetics (formerly Invitae), Labcorp
Classification: Benign. Last evaluated: 2025-11-25. Review status: criteria provided, single submitter. Criteria: Invitae Variant Classification Sherloc (09022015). Collection method: clinical testing. Allele origin: germline.

Blueprint Genetics
Classification: Likely benign. Last evaluated: 2024-11-18. Review status: criteria provided, single submitter. Criteria: ACMG Guidelines, 2015. Collection method: clinical testing. Allele origin: germline.

CeGaT Center for Human Genetics Tuebingen
Classification: Likely benign. Last evaluated: 2023-12-01. Review status: criteria provided, single submitter. Criteria: CeGaT Center For Human Genetics Tuebingen Variant Classification Criteria Version 2. Collection method: clinical testing. Allele origin: germline. Affected: yes. Observed: 1 variant allele.
Comment: AUTS2: BP4, BP7, BS1

GeneDx
Classification: Likely benign. Last evaluated: 2020-11-20. Review status: criteria provided, single submitter. Criteria: GeneDx Variant Classification Process June 2021. Collection method: clinical testing. Allele origin: germline. Affected: yes.

NM_015570.4(AUTS2):c.1551G>A (p.Pro517=)

Gene: AUTS2 (activator of transcription and developmental regulator AUTS2; plus strand). Cytogenetic location: 7q11.22.
Variant type: single nucleotide variant.
Coding change: c.1551G>A on transcript NM_015570.4 (MANE Select); coding-DNA position 1551, G replaced by A.
Protein change: p.Pro517=; no amino-acid change (proline 517 retained).
Molecular consequence: synonymous variant.
Genome position (GRCh38, 1-based): chr7:70,766,196, G>A. VCF-style: chr7-70766196-G-A. GRCh37 (hg19) VCF-style: chr7-70231182-G-A.
Other names: c.1551G>A, p.Pro517= (NM_001127231.3).
Identifiers: ClinVar variation 702569 (VCV000702569.34), dbSNP rs76384598, ClinGen allele CA4280697.